The following is an entry in ClinVar:

NM_000276.4(OCRL):c.163A>C (p.Ile55Leu)

Gene: OCRL (OCRL inositol polyphosphate-5-phosphatase; plus strand). Cytogenetic location: Xq26.1.
Variant type: single nucleotide variant.
Coding change: c.163A>C on transcript NM_000276.4 (MANE Select); coding-DNA position 163, A replaced by C.
Protein change: p.Ile55Leu; replaces isoleucine 55 with leucine.
Molecular consequence: missense variant.
Genome position (GRCh38, 1-based): chrX:129,545,001, A>C. VCF-style: chrX-129545001-A-C. GRCh37 (hg19) VCF-style: chrX-128678978-A-C.
Other names: c.166A>C, p.Ile56Leu (NM_001318784.2); c.163A>C, p.Ile55Leu (NM_001587.4); short protein forms I55L, I56L.
Identifiers: ClinVar variation 3636335 (VCV003636335.3).

ClinVar aggregate classification (germline): Uncertain significance. Review status: criteria provided, multiple submitters, no conflicts (2 of 4 stars). 2 submissions from 2 submitters: Uncertain significance (2). Last evaluated 2024-02-17.

Conditions:
Lowe syndrome (OCRL). Also called: LOWE OCULOCEREBRORENAL SYNDROME; PHOSPHATIDYLINOSITOL 4,5-BISPHOSPHATE 5-PHOSPHATASE DEFICIENCY; Oculocerebrorenal Syndrome. Identifiers: Orphanet 534, MedGen C0028860, MONDO:0010645, OMIM 309000.
Dent disease type 2. Identifiers: Orphanet 1652, Orphanet 93623, MedGen C1845167, MONDO:0010359, OMIM 300555.

gnomAD v4.1: 12 of 1,152,703 alleles (0.001%); highest among the groups gnomAD compares: Non-Finnish European, 0.0014%; no homozygotes.

Submissions (2):

Labcorp Genetics (formerly Invitae), Labcorp
Classification: Uncertain significance for Lowe syndrome. Last evaluated: 2024-02-17. Review status: criteria provided, single submitter. Criteria: Invitae Variant Classification Sherloc (09022015). Collection method: clinical testing. Allele origin: germline.
Comment: This sequence change replaces isoleucine, which is neutral and non-polar, with leucine, which is neutral and non-polar, at codon 55 of the OCRL protein (p.Ile55Leu). This variant is present in population databases (no rsID available, gnomAD 0.001%). This variant has not been reported in the literature in individuals affected with OCRL-related conditions. Advanced modeling of protein sequence and biophysical properties (such as structural, functional, and spatial information, amino acid conservation, physicochemical variation, residue mobility, and thermodynamic stability) performed at Invitae indicates that this missense variant is not expected to disrupt OCRL protein function with a negative predictive value of 95%. In summary, the available evidence is currently insufficient to determine the role of this variant in disease. Therefore, it has been classified as a Variant of Uncertain Significance.

Department of Pathology and Laboratory Medicine, Sinai Health System
Classification: Uncertain significance for Dent disease type 2; Lowe syndrome. Last evaluated: 2022-01-17. Review status: criteria provided, single submitter. Criteria: ACMG Guidelines, 2015. Collection method: research. Allele origin: germline.